The following is an entry in ClinVar:

ClinVar aggregate classification (germline): Uncertain significance. Review status: criteria provided, multiple submitters, no conflicts (2 of 4 stars). 2 submissions from 2 submitters: Uncertain significance (2). Last evaluated 2024-10-21.

Conditions:
Neuropathy, hereditary sensory and autonomic, type 2A (HSAN2A). Also called: ACROOSTEOLYSIS, GIACCAI TYPE; ACROOSTEOLYSIS, NEUROGENIC; MORVAN DISEASE; WNK1-Related HSAN2 (HSAN2A); HSAN IIA; NEUROPATHY, CONGENITAL SENSORY. Identifiers: Orphanet 970, MedGen C2752089, MONDO:0024309, OMIM 201300.
Pseudohypoaldosteronism type 2C (PHA2C). Also called: Pseudohypoaldosteronism Type IIC. Identifiers: Orphanet 757, Orphanet 88940, MedGen C1840391, MONDO:0013778, OMIM 614492.

gnomAD v4.1: 3 of 1,613,922 alleles (0.00019%); highest among the groups gnomAD compares: Non-Finnish European, 0.00025%; no homozygotes.

Submissions (2):

Labcorp Genetics (formerly Invitae), Labcorp
Classification: Uncertain significance for Neuropathy, hereditary sensory and autonomic, type 2A; Pseudohypoaldosteronism type 2C. Last evaluated: 2024-10-21. Review status: criteria provided, single submitter. Criteria: Invitae Variant Classification Sherloc (09022015). Collection method: clinical testing. Allele origin: germline.
Comment: This sequence change replaces leucine, which is neutral and non-polar, with valine, which is neutral and non-polar, at codon 1281 of the WNK1 protein (p.Leu1281Val). This variant is not present in population databases (gnomAD no frequency). This variant has not been reported in the literature in individuals affected with WNK1-related conditions. Invitae Evidence Modeling of protein sequence and biophysical properties (such as structural, functional, and spatial information, amino acid conservation, physicochemical variation, residue mobility, and thermodynamic stability) indicates that this missense variant is not expected to disrupt WNK1 protein function with a negative predictive value of 95%. In summary, the available evidence is currently insufficient to determine the role of this variant in disease. Therefore, it has been classified as a Variant of Uncertain Significance.

Fulgent Genetics
Classification: Uncertain significance for Neuropathy, hereditary sensory and autonomic, type 2A; Pseudohypoaldosteronism type 2C. Last evaluated: 2024-03-01. Review status: criteria provided, single submitter. Criteria: ACMG Guidelines, 2015. Collection method: clinical testing. Allele origin: germline.

NM_018979.4(WNK1):c.2347T>G (p.Leu783Val)

Gene: WNK1 (WNK lysine deficient protein kinase 1; plus strand). Cytogenetic location: 12p13.33.
Variant type: single nucleotide variant.
Coding change: c.2347T>G on transcript NM_018979.4 (MANE Select); coding-DNA position 2347, T replaced by G.
Protein change: p.Leu783Val; replaces leucine 783 with valine.
Molecular consequence: missense variant.
Genome position (GRCh38, 1-based): chr12:878,335, T>G. VCF-style: chr12-878335-T-G. GRCh37 (hg19) VCF-style: chr12-987501-T-G.
Other names: c.3586T>G, p.Leu1196Val (NM_001184985.2); c.2344T>G, p.Leu782Val (NM_014823.3); c.3841T>G, p.Leu1281Val (NM_213655.5); short protein forms L782V, L1281V, L1196V, L783V.
Identifiers: ClinVar variation 3575558 (VCV003575558.3).